The following is an entry in ClinVar:

ClinVar aggregate classification (germline): Likely benign. Review status: reviewed by expert panel (3 of 4 stars). 15 submissions from 13 submitters: Likely benign (1). 14 of the submissions do not count toward it. Last evaluated 2017-04-18.

Conditions:
Noonan syndrome and Noonan-related syndrome. Identifiers: Orphanet 98733, MedGen C5681679, MONDO:0020297.
Cardiovascular phenotype. Identifiers: MedGen CN230736.
RASopathy. Also called: rasopathies; Noonan spectrum disorder. Identifiers: Orphanet 536391, MedGen C5555857, MONDO:0021060.
LEOPARD syndrome 1 (LPRD1). Also called: LENTIGINOSIS, CARDIOMYOPATHIC; MULTIPLE LENTIGINES SYNDROME; PTPN11-Related LEOPARD Syndrome. Identifiers: Orphanet 500, MedGen C4551484, MONDO:0100082, OMIM 151100.
Metachondromatosis (METCDS). Identifiers: Orphanet 2499, MedGen C0410530, MONDO:0007979, OMIM 156250.
Noonan syndrome 1 (NS1). Also called: TURNER PHENOTYPE WITH NORMAL KARYOTYPE; PTPN11-Related Noonan Syndrome; FEMALE PSEUDO-TURNER SYNDROME. Identifiers: Orphanet 648, MedGen C4551602, MONDO:0008104, OMIM 163950. Disease mechanism: gain of function.

Allele frequency attached by ClinVar (database versions not stated): ExAC 0.00028; gnomAD exomes 0.00050 and 0.00028; ESP Exome Variant Server 0.00015; TOPMed 0.00025; gnomAD 0.00029 and 0.00030.
gnomAD v4.1: 791 of 1,614,012 alleles (0.049%); highest among the groups gnomAD compares: South Asian, 0.09%; no homozygotes.

Submissions (15):

ClinGen RASopathy Variant Curation Expert Panel
Classification: Likely benign for Noonan syndrome and Noonan-related syndrome. Last evaluated: 2017-04-18. Review status: reviewed by expert panel. Criteria: ClinGen RASopathy ACMG Specifications v1. Collection method: curation. Allele origin: germline. Inheritance: Autosomal dominant inheritance.
Comment: The filtering allele frequency of the c.48A>G (p.Ala16=) variant in the PTPN11 gene is 0.0284% (9/16512) of South Asian chromosomes by the Exome Aggregation Consortium, which is a high enough frequency to be classified as likely benign based on thresholds defined by the ClinGen RASopathy Expert Panel (BS1; PMID:29493581)

CeGaT Center for Human Genetics Tuebingen
Classification: Likely benign. Last evaluated: 2026-09-01. Review status: criteria provided, single submitter. Criteria: CeGaT Center For Human Genetics Tuebingen Variant Classification Criteria Version 2. Collection method: clinical testing. Allele origin: germline. Affected: yes. Observed: 6 variant alleles. Not counted in ClinVar's aggregate classification.
Comment: PTPN11: BP4, BP7

Labcorp Genetics (formerly Invitae), Labcorp
Classification: Likely benign for RASopathy. Last evaluated: 2026-01-27. Review status: criteria provided, single submitter. Criteria: Invitae Variant Classification Sherloc (09022015). Collection method: clinical testing. Allele origin: germline. Not counted in ClinVar's aggregate classification.

ARUP Laboratories, Molecular Genetics and Genomics, ARUP Laboratories
Classification: Likely benign. Last evaluated: 2025-03-31. Review status: criteria provided, single submitter. Criteria: ARUP Molecular Germline Variant Investigation Process 2024. Collection method: clinical testing. Allele origin: germline. Not counted in ClinVar's aggregate classification.

KCCC/NGS Laboratory, Kuwait Cancer Control Center
Classification: Benign for Metachondromatosis. Last evaluated: 2025-02-01. Review status: criteria provided, single submitter. Criteria: ACMG Guidelines, 2015. Collection method: clinical testing. Allele origin: germline. Affected: no. Not counted in ClinVar's aggregate classification.

Blueprint Genetics
Classification: Likely benign. Last evaluated: 2024-11-18. Review status: criteria provided, single submitter. Criteria: ACMG Guidelines, 2015. Collection method: clinical testing. Allele origin: germline. Not counted in ClinVar's aggregate classification.

Genome Diagnostics Laboratory, The Hospital for Sick Children
Classification: Likely benign for Noonan syndrome and Noonan-related syndrome. Last evaluated: 2020-01-01. Review status: criteria provided, single submitter. Criteria: ACMG Guidelines, 2015. Collection method: clinical testing. Allele origin: germline. Not counted in ClinVar's aggregate classification.

Ambry Genetics
Classification: Likely benign for Cardiovascular phenotype. Last evaluated: 2019-09-23. Review status: criteria provided, single submitter. Criteria: Ambry Variant Classification Scheme 2023. Collection method: clinical testing. Allele origin: germline. Not counted in ClinVar's aggregate classification.

Illumina Laboratory Services, Illumina
Classification: Benign for Metachondromatosis. Last evaluated: 2018-01-13. Review status: criteria provided, single submitter. Criteria: ICSL Variant Classification Criteria 13 December 2019. Collection method: clinical testing. Allele origin: germline. Not counted in ClinVar's aggregate classification.
Comment: This variant was observed in the ICSL laboratory as part of a predisposition screen in an ostensibly healthy population. It had not been previously curated by ICSL or reported in the Human Gene Mutation Database (HGMD: prior to June 1st, 2018), and was therefore a candidate for classification through an automated scoring system. Utilizing variant allele frequency, disease prevalence and penetrance estimates, and inheritance mode, an automated score was calculated to assess if this variant is too frequent to cause the disease. Based on the score and internal cut-off values, a variant classified as benign is not then subjected to further curation. The score for this variant resulted in a classification of benign for this disease.

Illumina Laboratory Services, Illumina
Classification: Uncertain significance for Noonan syndrome 1. Last evaluated: 2018-01-13. Review status: criteria provided, single submitter. Criteria: ICSL Variant Classification Criteria 13 December 2019. Collection method: clinical testing. Allele origin: germline. Not counted in ClinVar's aggregate classification.

Illumina Laboratory Services, Illumina
Classification: Benign for LEOPARD syndrome 1. Last evaluated: 2018-01-13. Review status: criteria provided, single submitter. Criteria: ICSL Variant Classification Criteria 13 December 2019. Collection method: clinical testing. Allele origin: germline. Not counted in ClinVar's aggregate classification.
Comment: the same text as in the submission from Illumina Laboratory Services, Illumina above.

Women's Health and Genetics/Laboratory Corporation of America, LabCorp
Classification: Benign. Last evaluated: 2016-10-17. Review status: criteria provided, single submitter. Criteria: LabCorp Variant Classification Summary - May 2015. Collection method: clinical testing. Allele origin: germline. Not counted in ClinVar's aggregate classification.
Comment: Variant summary: The PTPN11 c.48A>G (p.Ala16Ala) variant causes a synonymous change with 4/5 splice prediction tools predict no significant impact on normal splicing and no alterations to ESE binding, although these predictions have yet to be functionally assessed. The variant of interest was observed in the large, broad control population, ExAC, with an allele frequency of 34/121402 (1/3570), which exceeds the estimated maximal expected allele frequency for a pathogenic PTPN11 variant of 1/16000, therefore, suggesting this variant is likely a benign polymorphism. In addition, a reputable clinical diagnostic laboratory cites the variant as "likely benign." Therefore, the variant of interest has been classified as Benign.

GeneDx
Classification: Benign. Last evaluated: 2015-03-03. Review status: criteria provided, single submitter. Criteria: GeneDx Variant Classification Process June 2021. Collection method: clinical testing. Allele origin: germline. Affected: yes. Not counted in ClinVar's aggregate classification.

Eurofins Ntd Llc (ga)
Classification: Uncertain significance. Last evaluated: 2014-12-10. Review status: criteria provided, single submitter. Criteria: EGL Classification Definitions 2015. Collection method: clinical testing. Allele origin: germline. Observed: 2 variant alleles, 2 heterozygotes. Not counted in ClinVar's aggregate classification.

Laboratory for Molecular Medicine, Mass General Brigham Personalized Medicine
Classification: Likely benign. Last evaluated: 2014-11-10. Review status: criteria provided, single submitter. Criteria: LMM Criteria. Collection method: clinical testing. Allele origin: germline. Observed: 6 variant alleles. Not counted in ClinVar's aggregate classification.
Comment: p.Ala16Ala in exon 2 of PTPN11: This variant is not expected to have clinical si gnificance because it does not alter an amino acid residue and is not located wi thin the splice consensus sequence. It has been identified in 22/66740 European chromosomes by the Exome Aggregation Consortium (ExAC, e.org/; dbSNP rs372736227).

Literature cited by the submitters: PubMed 15009076 (cited by Laboratory for Molecular Medicine, Mass General Brigham Personalized Medicine).

NM_002834.5(PTPN11):c.48A>G (p.Ala16=)

Gene: PTPN11 (protein tyrosine phosphatase non-receptor type 11; plus strand). Cytogenetic location: 12q24.13.
Variant type: single nucleotide variant.
Coding change: c.48A>G on transcript NM_002834.5 (MANE Select); coding-DNA position 48, A replaced by G.
Protein change: p.Ala16=; no amino-acid change (alanine 16 retained).
Molecular consequence: synonymous variant.
Genome position (GRCh38, 1-based): chr12:112,446,309, A>G. VCF-style: chr12-112446309-A-G. GRCh37 (hg19) VCF-style: chr12-112884113-A-G.
Other names: NM_002834.4(PTPN11):c.48A>G; c.48A>G, p.Ala16= (NM_001330437.2, NM_001374625.1, NM_080601.3); c.48A>G (NM_002834.4).
Identifiers: ClinVar variation 44608 (VCV000044608.65), dbSNP rs372736227, ClinGen allele CA134668.